The following is an entry in ClinVar:

ClinVar aggregate classification (germline): Likely pathogenic. Review status: criteria provided, multiple submitters, no conflicts (2 of 4 stars). 2 submissions from 2 submitters: Likely pathogenic (2). Last evaluated 2026-01-18.

Conditions:
Bardet-Biedl syndrome (BBS). Identifiers: Orphanet 110, MedGen C0752166, MONDO:0015229.
BBS9-related disorder. Also called: BBS9-related condition.

Allele frequency attached by ClinVar (database versions not stated): gnomAD exomes 0.00002.
gnomAD v4.1: 4 of 387,506 alleles (0.001%); highest among the groups gnomAD compares: Admixed American, 0.0032%; no homozygotes.

Submissions (2):

Labcorp Genetics (formerly Invitae), Labcorp
Classification: Likely pathogenic for Bardet-Biedl syndrome. Last evaluated: 2026-01-18. Review status: criteria provided, single submitter. Criteria: Invitae Variant Classification Sherloc (09022015). Collection method: clinical testing. Allele origin: germline.
Comment: This sequence change falls in intron 12 of the BBS9 gene. It does not directly change the encoded amino acid sequence of the BBS9 protein. RNA analysis indicates that this variant induces altered splicing and may result in an absent or altered protein product. This variant is not present in population databases (gnomAD no frequency). This variant has been observed in individual(s) with Bardet-Biedl syndrome (PMID: 31736247). It has also been observed to segregate with disease in related individuals. ClinVar contains an entry for this variant (Variation ID: 2632713). Studies have shown that this variant results in activation of a cryptic exon, and produces a non-functional protein and/or introduces a premature termination codon (PMID: 31736247). In summary, the currently available evidence indicates that the variant is pathogenic, but additional data are needed to prove that conclusively. Therefore, this variant has been classified as Likely Pathogenic.

PreventionGenetics, part of Exact Sciences
Classification: Likely pathogenic for BBS9-related condition. Last evaluated: 2024-12-03. Review status: criteria provided, single submitter. Criteria: ACMG Guidelines, 2015. Collection method: clinical testing. Allele origin: germline.
Comment: The BBS9 c.1329+1738C>T variant is predicted to interfere with splicing. This variant has been reported in the homozygous state in two siblings with a retinal dystrophy phenotype and Bardet-Biedl syndrome. RNA studies supported an aberrant splicing impact from this variant in a fraction of BBS9 mRNAs, resulting in inclusion of a cryptic exon and premature protein termination (Zenteno et al. 2020. PubMed ID: 31736247). This variant has not been reported in a large population database (gnomAD), indicating this variant is rare. This variant is interpreted as likely pathogenic.

Literature cited by the submitters: PubMed 31736247 (cited by Labcorp Genetics (formerly Invitae), Labcorp).

NM_198428.3(BBS9):c.1329+1738C>T

Gene: BBS9 (Bardet-Biedl syndrome 9; plus strand). Cytogenetic location: 7p14.3.
Variant type: single nucleotide variant.
Coding change: c.1329+1738C>T on transcript NM_198428.3 (MANE Select); 1738 bases into the intron after coding-DNA position 1329, C replaced by T.
Molecular consequence: intron variant.
Genome position (GRCh38, 1-based): chr7:33,346,372, C>T. VCF-style: chr7-33346372-C-T. GRCh37 (hg19) VCF-style: chr7-33385984-C-T.
Other names: c.1329+1738C>T (NM_001348036.1, NM_001362679.1, NM_001348041.4 and 5 more transcripts); c.1056+1738C>T (NM_001348038.3, NM_001348039.3); c.963+1738C>T (NM_001348037.3, NM_001348045.3, NM_001348046.3 and 1 more transcripts); c.1194+1738C>T (NM_001348042.3).
Identifiers: ClinVar variation 2632713 (VCV002632713.6), dbSNP rs932364060, ClinGen allele CA156727864.